The following is an entry in ClinVar:

ClinVar aggregate classification (germline): Pathogenic/Likely pathogenic. Review status: criteria provided, multiple submitters, no conflicts (2 of 4 stars). 9 submissions from 9 submitters: Pathogenic (3); Likely pathogenic (5). 1 of the submissions does not count toward it. Last evaluated 2025-01-26.

Conditions:
Hereditary cancer-predisposing syndrome. Also called: Neoplastic Syndromes, Hereditary; Tumor predisposition; Hereditary Cancer Syndrome; Hereditary neoplastic syndrome. Identifiers: Orphanet 140162, MedGen C0027672, MeSH D009386, MONDO:0015356.
Familial adenomatous polyposis 1 (FAP1). Also called: FAMILIAL ADENOMATOUS POLYPOSIS 1, ATTENUATED; POLYPOSIS, ADENOMATOUS INTESTINAL. Identifiers: MedGen C2713442, MONDO:0021056, OMIM 175100. Disease mechanism: loss of function.

Submissions (9):

Labcorp Genetics (formerly Invitae), Labcorp
Classification: Pathogenic for Familial adenomatous polyposis 1. Last evaluated: 2025-01-26. Review status: criteria provided, single submitter. Criteria: Invitae Variant Classification Sherloc (09022015). Collection method: clinical testing. Allele origin: germline.
Comment: This sequence change falls in intron 4 of the APC gene. It does not directly change the encoded amino acid sequence of the APC protein. RNA analysis indicates that this variant induces altered splicing and may result in an absent or altered protein product. The frequency data for this variant in the population databases is considered unreliable, as metrics indicate poor data quality at this position in the gnomAD database. This variant has been observed in individuals with familial adenomatous polyposis and/or typical or attenuated FAP and individuals undergoing APC testing (PMID: 20223039, 23159591, 33011440; internal data). It has also been observed to segregate with disease in related individuals. ClinVar contains an entry for this variant (Variation ID: 142189). Variants that disrupt the consensus splice site are a relatively common cause of aberrant splicing (PMID: 17576681, 9536098). Studies have shown that this variant results in skipping of exon 5, and produces a non-functional protein and/or introduces a premature termination codon (PMID: 33011440; internal data). For these reasons, this variant has been classified as Pathogenic.

Quest Diagnostics Nichols Institute San Juan Capistrano
Classification: Pathogenic. Last evaluated: 2024-09-11. Review status: criteria provided, single submitter. Criteria: Quest Diagnostics criteria. Collection method: clinical testing. Allele origin: unknown.
Comment: The APC c.423-3T>A variant has been reported in the published literature in individuals with familial adenomatous polyposis (FAP) (PMID: 20223039 (2005), 23159591 (2013), 30580288 (2019), 33011440 (2020)). In addition, this variant has been observed to segregate with disease in individuals affected with FAP from a single family (PMID: 33011440 (2020)). Published functional studies showed that this variant results in abnormal splicing leading to skipping of exon 5 and a truncated protein (PMID: 33011440 (2020)). The frequency of this variant in the general population, 0.000 (0/67410 chromosomes) (Genome Aggregation Database)), is uninformative in the assessment of its pathogenicity due to the removal of low-quality genotypes at this site. Analysis of this variant using software algorithms for the prediction of the effect of nucleotide changes on APC mRNA splicing yielded inconclusive findings. Based on the available information, this variant is classified as pathogenic.

Mayo Clinic Laboratories, Mayo Clinic
Classification: Likely pathogenic. Last evaluated: 2024-05-14. Review status: criteria provided, single submitter. Criteria: ACMG Guidelines, 2015. Collection method: clinical testing. Allele origin: germline. Observed: 1 variant allele.
Comment: PS3+PS4_mod

Color Diagnostics, LLC DBA Color Health
Classification: Likely pathogenic for Hereditary cancer-predisposing syndrome. Last evaluated: 2023-05-10. Review status: criteria provided, single submitter. Criteria: ACMG Guidelines, 2015. Collection method: clinical testing. Allele origin: germline.
Comment: This variant causes a T to A nucleotide substitution at the -3 position of intron 4 of the APC gene. RNA studies report that this variant results in exon 5 skipping predicted to lead to a frameshift truncation (p.Arg141Serfs*8), although the amount of aberrant RNA was not quantified (PMID: 33011440). This variant is highly similar to c.423-3_423-2delAT in terms of the variant acceptor site and its predicted splicing impact, and it may be reported as this alternate cDNA variant description by external laboratories and databases. This variant has been reported in multiple individuals affected with familial adenomatous polyposis (PMID: 20223039, 30580288; External laboratory communication). It has been shown that this variant segregates with disease in multiple members of a family affected by polyposis or colorectal cancer (PMID: 30580288). This variant has not been identified in the general population by the Genome Aggregation Database (gnomAD). Based on the available evidence, this variant is classified as Likely Pathogenic.

Myriad Genetics, Inc.
Classification: Likely pathogenic for Familial adenomatous polyposis 1. Last evaluated: 2023-04-26. Review status: criteria provided, single submitter. Criteria: Myriad Autosomal Dominant, Autosomal Recessive and X-Linked Classification Criteria (2023). Collection method: clinical testing. Allele origin: unknown.
Comment: This variant is considered likely pathogenic. mRNA analysis has demonstrated abnormal mRNA splicing occurs [Myriad internal data]. This variant has been reported in multiple individuals with clinical features of gene-specific disease [PMID: 20223039, 23159591, 30580288, Myriad internal data].

Ambry Genetics
Classification: Pathogenic for Hereditary cancer-predisposing syndrome. Last evaluated: 2023-01-20. Review status: criteria provided, single submitter. Criteria: Ambry Variant Classification Scheme 2023. Collection method: clinical testing. Allele origin: germline.
Comment: The c.423-3T>A intronic pathogenic mutation results from a T to A substitution 3 nucleotides upstream from coding exon 4 in the APC gene. This alteration has been observed in multiple individuals with a personal and/or family history that is consistent with APC-related disease (Friedl W et al. Hered Cancer Clin Pract, 2005 Sep;3:95-114; Kerr SE et al. J Mol Diagn, 2013 Jan;15:31-43; Ambry internal data). This nucleotide position is poorly conserved in available vertebrate species. In silico splice site analysis predicts that this alteration will weaken the native splice acceptor site. RNA studies have demonstrated that this alteration results in abnormal splicing in the set of samples tested (Rofes P et al. J Mol Diagn, 2020 12;22:1453-1468; Ambry internal data). Based on the supporting evidence, this alteration is interpreted as a disease-causing mutation.

Baylor Genetics
Classification: Likely pathogenic for Familial adenomatous polyposis 1. Last evaluated: 2022-06-29. Review status: criteria provided, single submitter. Criteria: ACMG Guidelines, 2015. Collection method: clinical testing. Allele origin: unknown.

GeneDx
Classification: Likely pathogenic. Last evaluated: 2022-05-11. Review status: criteria provided, single submitter. Criteria: GeneDx Variant Classification Process June 2021. Collection method: clinical testing. Allele origin: germline. Affected: yes.
Comment: Published functional studies demonstrate skipping of exon 5 (Rofes 2020); In silico analysis supports a deleterious effect on splicing; This variant is associated with the following publications: (PMID: 28051113, 28152038, 29570743, 20223039, 23159591, 33011440, 30580288)

Department of Pathology and Laboratory Medicine, Sinai Health System
Classification: Uncertain significance. Review status: flagged submission. Collection method: clinical testing. Allele origin: unknown. Affected: yes. Study: The Canadian Open Genetics Repository (COGR). Not counted in ClinVar's aggregate classification.
Comment: The APC c.423-3T>A variant was identified in 1 of 2332 proband chromosomes (frequency: 0.0004) from German individuals or families with FAP (Friedl 2005). The variant was identified in the ClinVar database with conflicting classifications. Ambry Genetics classified it as likely pathogenic and the Mayo Clinic Testing Laboratories as of uncertain significance. The InSight Colon Cancer Database identified it 1x with no classification and it was identified in the LOVD database 2x as having splicing effect. The c.423-3T>A variant was not identified in dbSNP, NHLBI Exome Sequencing Project (Exome Variant Server), Exome Aggregation Consortium (ExAC) database, Clinvitae database, COSMIC, â€šÃ„ÃºZhejiang Colon Cancer Databaseâ€šÃ„Ã¹, GeneInsight COGR database, MutDB or UMD. The c.423-3T>A variant is located in the 3' splice region but does not affect the invariant -1 and -2 positions. However, positions -3 and -5 to -12 are part of the splicing consensus sequence and variants involving these positions sometimes affect splicing. In addition 2 of 5 in silico or computational prediction software programs (SpliceSiteFinder, MaxEntScan, NNSPLICE, GeneSplicer, HumanSpliceFinder) predict a greater than 10% chance of the loss of the splice acceptor site, and 1 of 5 of the above programs predict a greater than 10% chance that this variant alters a cryptic splice donor site. In summary, based on the above information, the clinical significance of this variant cannot be determined with certainty at this time. This variant is classified as a variant of uncertain significance.
ClinVar note: Reason: Claim with insufficient supporting evidence

Literature cited by the submitters: PubMed 20223039 (cited by 5 submitters); PubMed 23159591 (cited by 4 submitters); PubMed 33011440 (cited by 4 submitters); PubMed 17576681 (cited by Labcorp Genetics (formerly Invitae), Labcorp); PubMed 9536098 (cited by Labcorp Genetics (formerly Invitae), Labcorp); PubMed 30580288 (cited by 3 submitters).

NM_000038.6(APC):c.423-3T>A

Gene: APC (APC regulator of Wnt signaling pathway; plus strand). Cytogenetic location: 5q22.2.
Variant type: single nucleotide variant.
Coding change: c.423-3T>A on transcript NM_000038.6 (MANE Select); 3 bases into the intron before coding-DNA position 423, T replaced by A.
Molecular consequence: intron variant.
Genome position (GRCh38, 1-based): chr5:112,775,626, T>A. VCF-style: chr5-112775626-T-A. GRCh37 (hg19) VCF-style: chr5-112111323-T-A.
Other names: c.423-3T>A (NM_001354895.2, NM_001127510.3, NM_001354896.2 and 2 more transcripts); c.453-3T>A (NM_001354897.2, NM_001354902.2, NM_001127511.3); c.348-3T>A (NM_001354898.2, NM_001354904.2); c.-613-3T>A (NM_001354906.2); c.246-3T>A (NM_001354900.2, NM_001354901.2, NM_001354905.2).
Identifiers: ClinVar variation 142189 (VCV000142189.38), dbSNP rs587782293, ClinGen allele CA009307.